The following is an entry in ClinVar:

ClinVar aggregate classification (germline): Conflicting classifications of pathogenicity. Review status: criteria provided, conflicting classifications (1 of 4 stars). 4 submissions from 4 submitters: Uncertain significance (3); Likely benign (1). Last evaluated 2025-09-10.

Conditions:
Hereditary cancer-predisposing syndrome. Also called: Tumor predisposition; Hereditary Cancer Syndrome; Hereditary neoplastic syndrome; Neoplastic Syndromes, Hereditary. Identifiers: Orphanet 140162, MedGen C0027672, MeSH D009386, MONDO:0015356.
Tuberous sclerosis 2 (TSC2). Identifiers: Orphanet 805, MedGen C1860707, MONDO:0013199, OMIM 613254.
Tuberous sclerosis syndrome (TSC). Also called: Tuberous Sclerosis Complex; Tuberous sclerosis. Identifiers: Orphanet 805, MedGen C0041341, MONDO:0001734.

Allele frequency attached by ClinVar (database versions not stated): ExAC 0.00001; gnomAD 0.00001; TOPMed 0.00001.
gnomAD v4.1: 10 of 1,612,680 alleles (0.00062%); highest among the groups gnomAD compares: East Asian, 0.0022%; no homozygotes.

Submissions (4):

Labcorp Genetics (formerly Invitae), Labcorp
Classification: Likely benign for Tuberous sclerosis 2. Last evaluated: 2025-09-10. Review status: criteria provided, single submitter. Criteria: Invitae Variant Classification Sherloc (09022015). Collection method: clinical testing. Allele origin: germline.

All of Us Research Program, National Institutes of Health
Classification: Uncertain significance for Tuberous sclerosis syndrome. Last evaluated: 2024-04-25. Review status: criteria provided, single submitter. Criteria: ACMG Guidelines, 2015. Collection method: clinical testing. Allele origin: germline. Inheritance: Autosomal dominant inheritance. Observed: 2 variant alleles, 2 heterozygotes.
Comment: This missense variant replaces arginine with glutamine at codon 1753 of the TSC2 protein. Computational prediction suggests that this variant may have deleterious impact on protein structure and function (internally defined REVEL score threshold >= 0.7, PMID: 27666373). Splice site prediction tools suggest that this variant may impact RNA splicing. To our knowledge, functional studies have not been reported for this variant. This variant has not been reported in individuals affected with TSC2-related disorders in the literature. This variant has been identified in 1/249484 chromosomes in the general population by the Genome Aggregation Database (gnomAD). The available evidence is insufficient to determine the role of this variant in disease conclusively. Therefore, this variant is classified as a Variant of Uncertain Significance.

This study involves interpretation of variants in research participants for the purpose of population health screening. Participant phenotype was not available at the time of variant classification. Additional details can be found in publication PMID: 35346344, PMCID: PMC8962531

Ambry Genetics
Classification: Uncertain significance for Hereditary cancer-predisposing syndrome. Last evaluated: 2023-06-22. Review status: criteria provided, single submitter. Criteria: Ambry Variant Classification Scheme 2023. Collection method: clinical testing. Allele origin: germline.
Comment: The p.R1753Q variant (also known as c.5258G>A), located in coding exon 40 of the TSC2 gene, results from a G to A substitution at nucleotide position 5258. The arginine at codon 1753 is replaced by glutamine, an amino acid with highly similar properties. This amino acid position is highly conserved in available vertebrate species. In addition, this alteration is predicted to be deleterious by in silico analysis. Since supporting evidence is limited at this time, the clinical significance of this alteration remains unclear.

Genome-Nilou Lab
Classification: Uncertain significance for Tuberous sclerosis 2. Last evaluated: 2021-11-07. Review status: criteria provided, single submitter. Criteria: ACMG Guidelines, 2015. Collection method: clinical testing. Allele origin: germline. Affected: no.

NM_000548.5(TSC2):c.5258G>A (p.Arg1753Gln)

Gene: TSC2 (TSC complex subunit 2; plus strand). Cytogenetic location: 16p13.3.
Variant type: single nucleotide variant.
Coding change: c.5258G>A on transcript NM_000548.5 (MANE Select); coding-DNA position 5258, G replaced by A.
Protein change: p.Arg1753Gln; replaces arginine 1753 with glutamine.
Molecular consequence: missense variant.
Genome position (GRCh38, 1-based): chr16:2,088,324, G>A. VCF-style: chr16-2088324-G-A. GRCh37 (hg19) VCF-style: chr16-2138325-G-A.
Other names: c.5057G>A, p.Arg1686Gln (NM_001077183.3); c.5189G>A, p.Arg1730Gln (NM_001114382.3); c.4949G>A, p.Arg1650Gln (NM_001318827.2); c.4913G>A, p.Arg1638Gln (NM_001318829.2); c.4526G>A, p.Arg1509Gln (NM_001318831.2); c.5090G>A, p.Arg1697Gln (NM_001318832.2); c.5060G>A, p.Arg1687Gln (NM_001363528.2); c.5126G>A, p.Arg1709Gln (NM_001370404.1); and 2 more; short protein forms R1753Q, R1509Q, R1638Q, R1697Q, R1686Q, R1706Q, R1709Q, R1730Q.
Identifiers: ClinVar variation 233437 (VCV000233437.18), dbSNP rs749487441, ClinGen allele CA054609.